The following is an entry in ClinVar:

NM_006445.4(PRPF8):c.3351C>T (p.His1117=)

Gene: PRPF8 (pre-mRNA processing factor 8; minus strand). Cytogenetic location: 17p13.3.
Variant type: single nucleotide variant.
Coding change: c.3351C>T on transcript NM_006445.4 (MANE Select); coding-DNA position 3351, C replaced by T.
Protein change: p.His1117=; no amino-acid change (histidine 1117 retained).
Molecular consequence: synonymous variant.
Genome position (GRCh38, 1-based): chr17:1,673,841, G>A on the plus strand (C>T on the coding strand, the complement: PRPF8 is on the minus strand). VCF-style: chr17-1673841-G-A. GRCh37 (hg19) VCF-style: chr17-1577135-G-A.
Identifiers: ClinVar variation 1537717 (VCV001537717.18), dbSNP rs758889307, ClinGen allele CA8271894.

ClinVar aggregate classification (germline): Likely benign. Review status: criteria provided, multiple submitters, no conflicts (2 of 4 stars). 2 submissions from 2 submitters: Likely benign (2). Last evaluated 2025-07-01.

Allele frequency attached by ClinVar (database versions not stated): gnomAD exomes below 0.00001 and 0.00001; ExAC 0.00001; gnomAD 0.00001; TOPMed 0.00001.
gnomAD v4.1: 7 of 1,613,858 alleles (0.00043%); highest among the groups gnomAD compares: South Asian, 0.0033%; no homozygotes.

Submissions (2):

CeGaT Center for Human Genetics Tuebingen
Classification: Likely benign. Last evaluated: 2025-07-01. Review status: criteria provided, single submitter. Criteria: CeGaT Center For Human Genetics Tuebingen Variant Classification Criteria Version 2. Collection method: clinical testing. Allele origin: germline. Affected: yes. Observed: 2 variant alleles.
Comment: PRPF8: BP4, BP7

Labcorp Genetics (formerly Invitae), Labcorp
Classification: Likely benign. Last evaluated: 2024-02-23. Review status: criteria provided, single submitter. Criteria: Invitae Variant Classification Sherloc (09022015). Collection method: clinical testing. Allele origin: germline.